The following is an entry in ClinVar:

ClinVar aggregate classification (germline): Uncertain significance (1 of 4 stars; one submission).

Conditions:
Hereditary cancer-predisposing syndrome. Also called: Hereditary Cancer Syndrome; Hereditary neoplastic syndrome; Neoplastic Syndromes, Hereditary; Tumor predisposition. Identifiers: Orphanet 140162, MedGen C0027672, MeSH D009386, MONDO:0015356.

Submission:

Ambry Genetics
Classification: Uncertain significance for Hereditary cancer-predisposing syndrome. Last evaluated: 2025-03-27. Review status: criteria provided, single submitter. Criteria: Ambry Variant Classification Scheme 2023. Collection method: clinical testing. Allele origin: germline.
Comment: The p.P155T variant (also known as c.463C>A), located in coding exon 3 of the CDKN2A gene, results from a C to A substitution at nucleotide position 463. The proline at codon 155 is replaced by threonine, an amino acid with highly similar properties. This amino acid position is well conserved in available vertebrate species. In addition, the in silico prediction for this alteration is inconclusive. Based on the available evidence, the clinical significance of this variant remains unclear.

NM_000077.5(CDKN2A):c.463C>A (p.Pro155Thr)

Gene: CDKN2A (cyclin dependent kinase inhibitor 2A; minus strand). Cytogenetic location: 9p21.3.
Variant type: single nucleotide variant.
Coding change: c.463C>A on transcript NM_000077.5; coding-DNA position 463, C replaced by A.
Protein change: p.Pro155Thr; replaces proline 155 with threonine.
Molecular consequence: missense variant (on NM_000077.6). On other transcripts: 3 prime UTR variant (3).
Genome position (GRCh38, 1-based): chr9:21,968,237, G>T on the plus strand (C>A on the coding strand, the complement: CDKN2A is on the minus strand). VCF-style: chr9-21968237-G-T. GRCh37 (hg19) VCF-style: chr9-21968236-G-T.
Other names: c.463C>A, p.Pro155Thr (NM_000077.6); c.*156C>A (NM_001195132.2); c.310C>A, p.Pro104Thr (NM_001363763.2); c.*107C>A (NM_058195.4); c.*386C>A (NM_058197.5); short protein forms P155T, P104T.
Identifiers: ClinVar variation 3999767 (VCV003999767.1).